The following is an entry in ClinVar:

ClinVar aggregate classification (germline): Uncertain significance (1 of 4 stars; one submission).

Submission:

GeneDx
Classification: Uncertain significance. Last evaluated: 2026-04-16. Review status: criteria provided, single submitter. Criteria: GeneDx Variant Classification Process June 2021. Collection method: clinical testing. Allele origin: germline.
Comment: Not observed at significant frequency in large population cohorts (gnomAD); Canonical splice site variant with an unclear effect on protein function; Has not been previously published as pathogenic or benign to our knowledge; Located in a specific region of the I-band within TTN for which truncating variants are significantly associated with autosomal dominant cardiomyopathy and also with autosomal recessive skeletal myopathies (PMID: 27625338, 27869827, 32778822); This variant is associated with the following publications: (PMID: 27625338, 27869827, 32778822)

NM_001267550.2(TTN):c.40724-2A>T

Gene: TTN (titin; minus strand). Cytogenetic location: 2q31.2.
Variant type: single nucleotide variant.
Coding change: c.40724-2A>T on transcript NM_001267550.2 (MANE Select); the canonical splice acceptor site of the intron before coding-DNA position 40724, A replaced by T.
Molecular consequence: splice acceptor variant.
Genome position (GRCh38, 1-based): chr2:178,640,112, T>A on the plus strand (A>T on the coding strand, the complement: TTN is on the minus strand). VCF-style: chr2-178640112-T-A. GRCh37 (hg19) VCF-style: chr2-179504839-T-A.
Other names: c.13529-2A>T (NM_003319.4); c.14105-2A>T (NM_133437.4); c.13904-2A>T (NM_133432.3); c.33020-2A>T (NM_133378.4); c.35801-2A>T (NM_001256850.1).
Identifiers: ClinVar variation 5036914 (VCV005036914.1).